The following is an entry in ClinVar:

ClinVar aggregate classification (germline): Uncertain significance (1 of 4 stars; one submission).

Conditions:
Pulmonary hypertension, primary, 4. Identifiers: Orphanet 422, MedGen C3809198, MONDO:0014136, OMIM 615344.

gnomAD v4.1: 1 of 1,363,304 alleles (0.000073%); highest among the groups gnomAD compares: Non-Finnish European, 0.000097%; no homozygotes.

Submission:

Labcorp Genetics (formerly Invitae), Labcorp
Classification: Uncertain significance for Pulmonary hypertension, primary, 4. Last evaluated: 2024-03-08. Review status: criteria provided, single submitter. Criteria: Invitae Variant Classification Sherloc (09022015). Collection method: clinical testing. Allele origin: germline.
Comment: This sequence change replaces tyrosine, which is neutral and polar, with phenylalanine, which is neutral and non-polar, at codon 85 of the KCNK3 protein (p.Tyr85Phe). This variant is not present in population databases (gnomAD no frequency). This variant has not been reported in the literature in individuals affected with KCNK3-related conditions. Advanced modeling of protein sequence and biophysical properties (such as structural, functional, and spatial information, amino acid conservation, physicochemical variation, residue mobility, and thermodynamic stability) performed at Invitae indicates that this missense variant is not expected to disrupt KCNK3 protein function with a negative predictive value of 80%. In summary, the available evidence is currently insufficient to determine the role of this variant in disease. Therefore, it has been classified as a Variant of Uncertain Significance.

NM_002246.3(KCNK3):c.254A>T (p.Tyr85Phe)

Gene: KCNK3 (potassium two pore domain channel subfamily K member 3; plus strand). Cytogenetic location: 2p23.3.
Variant type: single nucleotide variant.
Coding change: c.254A>T on transcript NM_002246.3 (MANE Select); coding-DNA position 254, A replaced by T.
Protein change: p.Tyr85Phe; replaces tyrosine 85 with phenylalanine.
Molecular consequence: missense variant.
Genome position (GRCh38, 1-based): chr2:26,693,129, A>T. VCF-style: chr2-26693129-A-T. GRCh37 (hg19) VCF-style: chr2-26915997-A-T.
Other names: short protein forms Y85F.
Identifiers: ClinVar variation 3689019 (VCV003689019.2).